The following is an entry in ClinVar:

NM_005477.3(HCN4):c.3379G>A (p.Gly1127Arg)

Gene: HCN4 (hyperpolarization activated cyclic nucleotide gated potassium channel 4; minus strand). Cytogenetic location: 15q24.1.
Variant type: single nucleotide variant.
Coding change: c.3379G>A on transcript NM_005477.3 (MANE Select); coding-DNA position 3379, G replaced by A.
Protein change: p.Gly1127Arg; replaces glycine 1127 with arginine.
Molecular consequence: missense variant.
Genome position (GRCh38, 1-based): chr15:73,322,714, C>T on the plus strand (G>A on the coding strand, the complement: HCN4 is on the minus strand). VCF-style: chr15-73322714-C-T. GRCh37 (hg19) VCF-style: chr15-73615055-C-T.
Other names: short protein forms G1127R.
Identifiers: ClinVar variation 470667 (VCV000470667.24), dbSNP rs748279911, ClinGen allele CA7648839.

ClinVar aggregate classification (germline): Conflicting classifications of pathogenicity. Review status: criteria provided, conflicting classifications (1 of 4 stars). 6 submissions from 6 submitters: Uncertain significance (5); Likely benign (1). Last evaluated 2025-11-02.

Conditions:
Brugada syndrome 8 (BRGDA8). Identifiers: Orphanet 130, MedGen C2751083, MONDO:0013148, OMIM 613123.
Epilepsy, idiopathic generalized, susceptibility to, 18. Identifiers: MedGen C5561983, MONDO:0030434, OMIM 619521.
Sick sinus syndrome 2, autosomal dominant (SSS2). Also called: SICK SINUS SYNDROME 2; SICK SINUS SYNDROME 2 WITH OR WITHOUT CARDIAC NONCOMPACTION AND/OR ASCENDING AORTA DILATION; ATRIAL FIBRILLATION WITH BRADYARRHYTHMIA; SINUS BRADYCARDIA SYNDROME, FAMILIAL, AUTOSOMAL DOMINANT; SINUS NODE DISEASE, FAMILIAL, AUTOSOMAL DOMINANT. Identifiers: Orphanet 166282, MedGen C1834144, MONDO:0008102, OMIM 163800.
Cardiovascular phenotype. Identifiers: MedGen CN230736.

Allele frequency attached by ClinVar (database versions not stated): gnomAD exomes 0.00003 and 0.00002; TOPMed 0.00003; ExAC 0.00004; gnomAD 0.00002 and 0.00003.
gnomAD v4.1: 51 of 1,566,376 alleles (0.0033%); highest among the groups gnomAD compares: Non-Finnish European, 0.0039%; no homozygotes.

Submissions (6):

Ambry Genetics
Classification: Uncertain significance for Cardiovascular phenotype. Last evaluated: 2025-11-02. Review status: criteria provided, single submitter. Criteria: Ambry Variant Classification Scheme 2023. Collection method: clinical testing. Allele origin: germline.
Comment: The p.G1127R variant (also known as c.3379G>A), located in coding exon 8 of the HCN4 gene, results from a G to A substitution at nucleotide position 3379. The glycine at codon 1127 is replaced by arginine, an amino acid with dissimilar properties. This amino acid position is highly conserved in available vertebrate species. In addition, the in silico prediction for this alteration is inconclusive. Since supporting evidence is limited at this time, the clinical significance of this alteration remains unclear.

Molecular Diagnostic Laboratory for Inherited Cardiovascular Disease, Montreal Heart Institute
Classification: Likely benign. Last evaluated: 2025-04-09. Review status: criteria provided, single submitter. Criteria: ACMG Guidelines, 2015. Collection method: clinical testing. Allele origin: germline. Affected: no.
Comment: BP4

Blueprint Genetics
Classification: Uncertain significance. Last evaluated: 2024-03-07. Review status: criteria provided, single submitter. Criteria: ACMG Guidelines, 2015. Collection method: clinical testing. Allele origin: germline.

Labcorp Genetics (formerly Invitae), Labcorp
Classification: Uncertain significance for Brugada syndrome 8. Last evaluated: 2023-12-30. Review status: criteria provided, single submitter. Criteria: Invitae Variant Classification Sherloc (09022015). Collection method: clinical testing. Allele origin: germline.
Comment: This sequence change replaces glycine, which is neutral and non-polar, with arginine, which is basic and polar, at codon 1127 of the HCN4 protein (p.Gly1127Arg). This variant is present in population databases (rs748279911, gnomAD 0.008%). This variant has not been reported in the literature in individuals affected with HCN4-related conditions. ClinVar contains an entry for this variant (Variation ID: 470667). Advanced modeling of protein sequence and biophysical properties (such as structural, functional, and spatial information, amino acid conservation, physicochemical variation, residue mobility, and thermodynamic stability) performed at Invitae indicates that this missense variant is not expected to disrupt HCN4 protein function with a negative predictive value of 95%. In summary, the available evidence is currently insufficient to determine the role of this variant in disease. Therefore, it has been classified as a Variant of Uncertain Significance.

Fulgent Genetics
Classification: Uncertain significance for Sick sinus syndrome 2, autosomal dominant; Brugada syndrome 8; Epilepsy, idiopathic generalized, susceptibility to, 18. Last evaluated: 2021-11-07. Review status: criteria provided, single submitter. Criteria: ACMG Guidelines, 2015. Collection method: clinical testing. Allele origin: unknown.

GeneDx
Classification: Uncertain significance. Last evaluated: 2019-12-10. Review status: criteria provided, single submitter. Criteria: GeneDx Variant Classification Process June 2021. Collection method: clinical testing. Allele origin: germline. Affected: yes.
Comment: Has not been previously published as pathogenic or benign to our knowledge; Reported in ClinVar as a variant of uncertain significance by another clinical laboratory (ClinVar Variant ID# 470667; Landrum et al., 2016); In silico analysis, which includes protein predictors and evolutionary conservation, supports that this variant does not alter protein structure/function